The following continues an entry in ClinVar:

NM_004004.6(GJB2):c.56G>C (p.Ser19Thr)

Gene: GJB2. ClinVar aggregate classification (germline): Pathogenic. Pathogenic (1).

Submissions 7 to 11 of 11:

ARUP Laboratories, Molecular Genetics and Genomics, ARUP Laboratories
Classification: Likely pathogenic. Last evaluated: 2018-01-08. Review status: criteria provided, single submitter. Criteria: ARUP Molecular Germline Variant Investigation Process. Collection method: clinical testing. Allele origin: germline. Not counted in ClinVar's aggregate classification.
Comment: The GJB2 c.56G>C; p.Ser19Thr variant (rs80338941) has been reported in individuals with hearing loss and has been found in trans with the pathogenic 35delG variant (D'Andrea 2002, Putcha 2007, Rabionet 2000). Functional studies show the variant protein has normal expression but is unable to form functional gap-junction channels in HeLa cells (D'Andrea 2002). This variant is reported in ClinVar (Variation ID: 21389) and observed in the general population with an overall allele frequency of 0.001% (3/244518 alleles) in the Genome Aggregation Database. Based on the above information, this variant is considered likely pathogenic. REFERENCES D'Andrea P et al. Hearing loss: frequency and functional studies of the most common connexin26 alleles. Biochem Biophys Res Commun. 2002 Aug 23;296(3):685-91. Putcha GV et al. A multicenter study of the frequency and distribution of GJB2 and GJB6 mutations in a large North American cohort. Genet Med. 2007 Jul;9(7):413-26. Rabionet R et al. Molecular basis of childhood deafness resulting from mutations in the GJB2 (connexin 26) gene. Hum Genet. 2000 Jan;106(1):40-4.

Genomic Diagnostic Laboratory, Division of Genomic Diagnostics, Children's Hospital of Philadelphia
Classification: Uncertain significance for Deafness, autosomal recessive 1A. Last evaluated: 2017-05-09. Review status: criteria provided, single submitter. Criteria: DGD Variant Analysis Guidelines. Collection method: clinical testing. Allele origin: germline. Affected: yes. Observed: 1 variant allele. Not counted in ClinVar's aggregate classification.

Laboratory for Molecular Medicine, Mass General Brigham Personalized Medicine
Classification: Likely pathogenic for Rare genetic deafness. Last evaluated: 2016-06-28. Review status: criteria provided, single submitter. Criteria: LMM Criteria. Collection method: clinical testing. Allele origin: germline. Inheritance: Autosomal recessive inheritance. Observed: 1 variant allele. Not counted in ClinVar's aggregate classification.
Comment: The p.Ser19Thr variant in GJB2 has been reported in 4 individuals with hearing l oss, 3 of whom were compound heterozygous for a second pathogenic variant in GJB 2, and segregated in one affected family member (Rabionet 2000, Roux 2004, Toth 2004, Gangarossa 2005). This variant has been identified in 2/66716 European chr omosomes by the Exome Aggregation Consortium (ExAC, rg; dbSNP rs80338941); however, its frequency is low enough to be consistent wit h a recessive carrier frequency. In vitro functional studies suggest that the p. Ser19Thr variant may impact protein function (D'Andrea 2002). However, these typ es of assays may not accurately represent biological function. In summary, alth ough additional studies are required to fully establish its clinical significanc e, this variant is likely pathogenic for autosomal recessive hearing loss based on the previously reported compound heterozygous individuals.

Clinical Molecular Genetics Laboratory, Johns Hopkins All Children's Hospital
Classification: Pathogenic for Hearing loss. Last evaluated: 2006-12-01. Review status: no assertion criteria provided. Collection method: clinical testing. Allele origin: germline. Affected: yes. Not counted in ClinVar's aggregate classification.

GeneReviews
No classification provided. Condition: Autosomal recessive nonsyndromic hearing loss 1A. Review status: no classification provided. Collection method: literature only. Allele origin: unknown. Not counted in ClinVar's aggregate classification.

Literature cited by the submitters: PubMed 24158611 (cited by 3 submitters); PubMed 16077952 (cited by 5 submitters); PubMed 10982180 (cited by 4 submitters); PubMed 11445873 (cited by Natera, Inc.); PubMed 15592461 (cited by Natera, Inc.); PubMed 12176036 (cited by 5 submitters); PubMed 15146474 (cited by Labcorp Genetics (formerly Invitae), Labcorp and Laboratory for Molecular Medicine, Mass General Brigham Personalized Medicine); PubMed 26188157 (cited by Labcorp Genetics (formerly Invitae), Labcorp and Laboratory for Molecular Medicine, Mass General Brigham Personalized Medicine); PubMed 33096615 (cited by Women's Health and Genetics/Laboratory Corporation of America, LabCorp); PubMed 15146674 (cited by INGEBI, INGEBI / CONICET); PubMed 15070423 (cited by Laboratory for Molecular Medicine, Mass General Brigham Personalized Medicine); PubMed 26553399 (cited by Laboratory for Molecular Medicine, Mass General Brigham Personalized Medicine); PubMed 16380907 (cited by GeneReviews); PubMed 20301449 (cited by GeneReviews); NCBI Bookshelf NBK1272 (cited by GeneReviews).